The following is an entry in ClinVar:

ClinVar aggregate classification (germline): Benign/Likely benign. Review status: criteria provided, multiple submitters, no conflicts (2 of 4 stars). 3 submissions from 3 submitters: Benign (1); Likely benign (2). Last evaluated 2026-04-17.

Conditions:
DICER1-related tumor predisposition. Also called: DICER1-related pleuropulmonary blastoma cancer predisposition syndrome; DICER1 syndrome. Identifiers: Orphanet 284343, MedGen C3839822, MONDO:0100216.
Hereditary cancer-predisposing syndrome. Also called: Hereditary neoplastic syndrome; Neoplastic Syndromes, Hereditary; Hereditary Cancer Syndrome; Tumor predisposition. Identifiers: Orphanet 140162, MedGen C0027672, MeSH D009386, MONDO:0015356.

Allele frequency attached by ClinVar (database versions not stated): TOPMed 0.00001.
gnomAD v4.1: 44 of 1,614,064 alleles (0.0027%); highest among the groups gnomAD compares: Non-Finnish European, 0.0037%; no homozygotes.

Submissions (3):

Myriad Genetics, Inc.
Classification: Benign for DICER1-related tumor predisposition. Last evaluated: 2026-04-17. Review status: criteria provided, single submitter. Criteria: Myriad Autosomal Dominant, Autosomal Recessive and X-Linked Classification Criteria (2023). Collection method: clinical testing. Allele origin: unknown.
Comment: This variant is considered benign. This variant is a silent/synonymous amino acid change and it is not expected to impact splicing.

Labcorp Genetics (formerly Invitae), Labcorp
Classification: Likely benign for DICER1-related tumor predisposition. Last evaluated: 2026-01-13. Review status: criteria provided, single submitter. Criteria: Invitae Variant Classification Sherloc (09022015). Collection method: clinical testing. Allele origin: germline.

Ambry Genetics
Classification: Likely benign for Hereditary cancer-predisposing syndrome. Last evaluated: 2017-01-12. Review status: criteria provided, single submitter. Criteria: Ambry Variant Classification Scheme 2023. Collection method: clinical testing. Allele origin: germline.

NM_177438.3(DICER1):c.4014G>T (p.Ala1338=)

Gene: DICER1 (dicer 1, ribonuclease III; minus strand). Cytogenetic location: 14q32.13.
Variant type: single nucleotide variant.
Coding change: c.4014G>T on transcript NM_177438.3 (MANE Select); coding-DNA position 4014, G replaced by T.
Protein change: p.Ala1338=; no amino-acid change (alanine 1338 retained).
Molecular consequence: synonymous variant.
Genome position (GRCh38, 1-based): chr14:95,103,382, C>A on the plus strand (G>T on the coding strand, the complement: DICER1 is on the minus strand). VCF-style: chr14-95103382-C-A. GRCh37 (hg19) VCF-style: chr14-95569719-C-A.
Other names: c.4014G>T, p.Ala1338= (NM_001195573.1, NM_001271282.3, NM_001291628.2 and 1 more transcripts).
Identifiers: ClinVar variation 479619 (VCV000479619.18), dbSNP rs143454689, ClinGen allele CA487844210.